The following is an entry in ClinVar:

ClinVar aggregate classification (germline): Likely benign (0 of 4 stars; one submission).

Conditions:
FAT1-related disorder. Also called: FAT1-related condition.

Allele frequency attached by ClinVar (database versions not stated): gnomAD exomes below 0.00001; gnomAD 0.00001; TOPMed 0.00001.
gnomAD v4.1: 3 of 1,613,770 alleles (0.00019%); highest among the groups gnomAD compares: African/African-American, 0.004%; no homozygotes.

Submission:

PreventionGenetics, part of Exact Sciences
Classification: Likely benign for FAT1-related condition. Last evaluated: 2020-01-20. Review status: no assertion criteria provided. Collection method: clinical testing. Allele origin: germline.
Comment: This variant is classified as likely benign based on ACMG/AMP sequence variant interpretation guidelines (Richards et al. 2015 PMID: 25741868, with internal and published modifications).

NM_005245.4(FAT1):c.9681C>T (p.Pro3227=)

Gene: FAT1 (FAT atypical cadherin 1; minus strand). Cytogenetic location: 4q35.2.
Variant type: single nucleotide variant.
Coding change: c.9681C>T on transcript NM_005245.4 (MANE Select); coding-DNA position 9681, C replaced by T.
Protein change: p.Pro3227=; no amino-acid change (proline 3227 retained).
Molecular consequence: synonymous variant.
Genome position (GRCh38, 1-based): chr4:186,611,558, G>A on the plus strand (C>T on the coding strand, the complement: FAT1 is on the minus strand). VCF-style: chr4-186611558-G-A. GRCh37 (hg19) VCF-style: chr4-187532712-G-A.
Identifiers: ClinVar variation 3051425 (VCV003051425.2), dbSNP rs1391823265, ClinGen allele CA442890014.